The following is an entry in ClinVar:

NM_001927.4(DES):c.100G>A (p.Val34Met)

Gene: DES (desmin; plus strand). Cytogenetic location: 2q35.
Variant type: single nucleotide variant.
Coding change: c.100G>A on transcript NM_001927.4 (MANE Select); coding-DNA position 100, G replaced by A.
Protein change: p.Val34Met; replaces valine 34 with methionine.
Molecular consequence: missense variant.
Genome position (GRCh38, 1-based): chr2:219,418,562, G>A. VCF-style: chr2-219418562-G-A. GRCh37 (hg19) VCF-style: chr2-220283284-G-A.
Other names: c.100G>A, p.Val34Met (NM_001382708.1, NM_001382709.1, NM_001382710.1 and 3 more transcripts); short protein forms V34M.
Identifiers: ClinVar variation 2184154 (VCV002184154.7), dbSNP rs761354307, ClinGen allele CA2125019.

ClinVar aggregate classification (germline): Uncertain significance. Review status: criteria provided, multiple submitters, no conflicts (2 of 4 stars). 2 submissions from 2 submitters: Uncertain significance (2). Last evaluated 2025-05-18.

Conditions:
Desmin-related myofibrillar myopathy (MFM1). Also called: Desminopathy; Desmin related myopathy (former name); Desmin storage myopathy (former name); MYOFIBRILLAR MYOPATHY WITH ARRHYTHMOGENIC RIGHT VENTRICULAR CARDIOMYOPATHY; DESMIN-RELATED MYOPATHY WITH ARRHYTHMOGENIC RIGHT VENTRICULAR CARDIOMYOPATHY; Myofibrillar myopathy 1. Identifiers: Orphanet 363543, Orphanet 98909, MedGen C1832370, MONDO:0011076, OMIM 601419.

Allele frequency attached by ClinVar (database versions not stated): gnomAD exomes below 0.00001.
gnomAD v4.1: 1 of 1,603,566 alleles (0.000062%); highest among the groups gnomAD compares: Non-Finnish European, 0.000085%; no homozygotes.

Submissions (2):

Labcorp Genetics (formerly Invitae), Labcorp
Classification: Uncertain significance for Desmin-related myofibrillar myopathy. Last evaluated: 2025-05-18. Review status: criteria provided, single submitter. Criteria: Invitae Variant Classification Sherloc (09022015). Collection method: clinical testing. Allele origin: germline.
Comment: This sequence change replaces valine, which is neutral and non-polar, with methionine, which is neutral and non-polar, at codon 34 of the DES protein (p.Val34Met). This variant is not present in population databases (gnomAD no frequency). This variant has not been reported in the literature in individuals affected with DES-related conditions. ClinVar contains an entry for this variant (Variation ID: 2184154). Invitae Evidence Modeling of protein sequence and biophysical properties (such as structural, functional, and spatial information, amino acid conservation, physicochemical variation, residue mobility, and thermodynamic stability) indicates that this missense variant is not expected to disrupt DES protein function with a negative predictive value of 80%. In summary, the available evidence is currently insufficient to determine the role of this variant in disease. Therefore, it has been classified as a Variant of Uncertain Significance.

Revvity Omics, Revvity
Classification: Uncertain significance. Last evaluated: 2022-03-10. Review status: criteria provided, single submitter. Criteria: ACMG Guidelines, 2015. Collection method: clinical testing. Allele origin: germline.